The following is an entry in ClinVar:

ClinVar aggregate classification (germline): Uncertain significance (1 of 4 stars; one submission).

Allele frequency attached by ClinVar (database versions not stated): gnomAD exomes below 0.00001.
gnomAD v4.1: 1 of 1,613,936 alleles (0.000062%); highest among the groups gnomAD compares: Non-Finnish European, 0.000085%; no homozygotes.

Submission:

Labcorp Genetics (formerly Invitae), Labcorp
Classification: Uncertain significance. Last evaluated: 2022-10-05. Review status: criteria provided, single submitter. Criteria: Invitae Variant Classification Sherloc (09022015). Collection method: clinical testing. Allele origin: germline.
Comment: ClinVar contains an entry for this variant (Variation ID: 1424510). Advanced modeling of protein sequence and biophysical properties (such as structural, functional, and spatial information, amino acid conservation, physicochemical variation, residue mobility, and thermodynamic stability) performed at Invitae indicates that this missense variant is expected to disrupt SPTBN2 protein function. In summary, the available evidence is currently insufficient to determine the role of this variant in disease. Therefore, it has been classified as a Variant of Uncertain Significance. This variant has not been reported in the literature in individuals affected with SPTBN2-related conditions. This variant is not present in population databases (gnomAD no frequency). This sequence change replaces arginine, which is basic and polar, with glutamine, which is neutral and polar, at codon 1507 of the SPTBN2 protein (p.Arg1507Gln).

NM_006946.4(SPTBN2):c.4520G>A (p.Arg1507Gln)

Gene: SPTBN2 (spectrin beta, non-erythrocytic 2; minus strand). Cytogenetic location: 11q13.2.
Variant type: single nucleotide variant.
Coding change: c.4520G>A on transcript NM_006946.4 (MANE Select); coding-DNA position 4520, G replaced by A.
Protein change: p.Arg1507Gln; replaces arginine 1507 with glutamine.
Molecular consequence: missense variant.
Genome position (GRCh38, 1-based): chr11:66,693,845, C>T on the plus strand (G>A on the coding strand, the complement: SPTBN2 is on the minus strand). VCF-style: chr11-66693845-C-T. GRCh37 (hg19) VCF-style: chr11-66461316-C-T.
Other names: short protein forms R1507Q.
Identifiers: ClinVar variation 1424510 (VCV001424510.6), dbSNP rs764921528, ClinGen allele CA6128547.